The following is an entry in ClinVar:

ClinVar aggregate classification (germline): Conflicting classifications of pathogenicity. Review status: criteria provided, conflicting classifications (1 of 4 stars). 2 submissions from 2 submitters: Uncertain significance (1); Likely benign (1). Last evaluated 2024-07-19.

Conditions:
Hereditary cancer-predisposing syndrome. Also called: Neoplastic Syndromes, Hereditary; Tumor predisposition; Hereditary neoplastic syndrome; Hereditary Cancer Syndrome. Identifiers: Orphanet 140162, MedGen C0027672, MeSH D009386, MONDO:0015356.
Familial cancer of breast. Also called: BREAST CANCER, FAMILIAL; Hereditary breast cancer; hereditary breast carcinoma. Identifiers: Orphanet 227535, MedGen C0346153, MONDO:0016419, OMIM 114480. Disease mechanism: loss of function.

Submissions (2):

Myriad Genetics, Inc.
Classification: Likely benign for Familial cancer of breast. Last evaluated: 2024-07-19. Review status: criteria provided, single submitter. Criteria: Myriad Autosomal Dominant, Autosomal Recessive and X-Linked Classification Criteria (2023). Collection method: clinical testing. Allele origin: unknown.
Comment: This variant is considered likely benign. This variant is intronic and is not expected to impact mRNA splicing.

Ambry Genetics
Classification: Uncertain significance for Hereditary cancer-predisposing syndrome. Last evaluated: 2024-03-14. Review status: criteria provided, single submitter. Criteria: Ambry Variant Classification Scheme 2023. Collection method: clinical testing. Allele origin: germline.
Comment: The c.365-5G>A intronic variant results from a G to A substitution 5 nucleotides upstream from coding exon 4 in the BARD1 gene. This nucleotide position is poorly conserved in available vertebrate species. In silico splice site analysis predicts that this alteration will not have any significant effect on splicing. Based on the available evidence, the clinical significance of this alteration remains unclear.

NM_000465.4(BARD1):c.365-5G>A

Gene: BARD1 (BRCA1 associated RING domain 1; minus strand). Cytogenetic location: 2q35.
Variant type: single nucleotide variant.
Coding change: c.365-5G>A on transcript NM_000465.4 (MANE Select); 5 bases into the intron before coding-DNA position 365, G replaced by A.
Molecular consequence: intron variant.
Genome position (GRCh38, 1-based): chr2:214,781,514, C>T on the plus strand (G>A on the coding strand, the complement: BARD1 is on the minus strand). VCF-style: chr2-214781514-C-T. GRCh37 (hg19) VCF-style: chr2-215646238-C-T.
Other names: c.158+27898G>A (NM_001282548.2); c.308-5G>A (NM_001282543.2); c.215+15547G>A (NM_001282545.2); c.364+10783G>A (NM_001282549.2).
Identifiers: ClinVar variation 3231798 (VCV003231798.2), dbSNP rs1378664671, ClinGen allele CA2825001080.
Genomic context (GRCh38, chr2:214,781,514, plus strand): 5'-CTTCTTGTTTCCTGCATCATTAAACAAACTTTTCCTAGGTTTATCTTCTTTCAAATCTGA[C>T]AGAAAAAAAGAAAAAGAAATCTGTTACATGAAATTTATTGCTCCCACATGGAGCTCCCGA-3'